The following is an entry in ClinVar:

NM_172250.3(MMAA):c.59C>T (p.Pro20Leu)

Gene: MMAA (metabolism of cobalamin associated A; plus strand). Cytogenetic location: 4q31.21.
Variant type: single nucleotide variant.
Coding change: c.59C>T on transcript NM_172250.3 (MANE Select); coding-DNA position 59, C replaced by T.
Protein change: p.Pro20Leu; replaces proline 20 with leucine.
Molecular consequence: missense variant.
Genome position (GRCh38, 1-based): chr4:145,639,198, C>T. VCF-style: chr4-145639198-C-T. GRCh37 (hg19) VCF-style: chr4-146560350-C-T.
Other names: c.59C>T, p.Pro20Leu (NM_001375644.1); short protein forms P20L.
Identifiers: ClinVar variation 4685624 (VCV004685624.1).

ClinVar aggregate classification (germline): Uncertain significance (1 of 4 stars; one submission).

Conditions:
Methylmalonic aciduria, cblA type (MACA). Also called: Vitamin B12-responsive methylmalonic acidemia type cblA; Methylmalonic aciduria, vitamin B12-responsive; Methylmalonic aciduria, vitamin b12-responsive, due to defect in synthesis of adenosylcobalamin, cbla complementation type; MMA cbl A type; Methylmalonic acidemia cblA type. Identifiers: Orphanet 28, Orphanet 79310, MedGen C1855109, MONDO:0009613, OMIM 251100.

gnomAD v4.1: 5 of 1,614,170 alleles (0.00031%); highest among the groups gnomAD compares: Non-Finnish European, 0.00042%; no homozygotes.

Submission:

ARUP Laboratories, Molecular Genetics and Genomics, ARUP Laboratories
Classification: Uncertain significance for Methylmalonic aciduria, cblA type. Last evaluated: 2025-02-18. Review status: criteria provided, single submitter. Criteria: ARUP Molecular Germline Variant Investigation Process 2024. Collection method: clinical testing. Allele origin: germline.
Comment: The MMAA c.59C>T; p.Pro20Leu variant, to our knowledge, is not reported in the medical literature or gene specific databases. This variant is also absent from the Genome Aggregation Database (v2.1.1), indicating it is not a common polymorphism. Computational analyses are uncertain whether this variant is neutral or deleterious (REVEL: 0.171). Due to limited information, the clinical significance of this variant is uncertain at this time.